The following is an entry in ClinVar:

NM_001303256.3(MORC2):c.2138A>G (p.Lys713Arg)

Gene: MORC2 (MORC family CW-type zinc finger 2; minus strand). Cytogenetic location: 22q12.2.
Variant type: single nucleotide variant.
Coding change: c.2138A>G on transcript NM_001303256.3 (MANE Select); coding-DNA position 2138, A replaced by G.
Protein change: p.Lys713Arg; replaces lysine 713 with arginine.
Molecular consequence: missense variant.
Genome position (GRCh38, 1-based): chr22:30,934,836, T>C on the plus strand (A>G on the coding strand, the complement: MORC2 is on the minus strand). VCF-style: chr22-30934836-T-C. GRCh37 (hg19) VCF-style: chr22-31330823-T-C.
Other names: c.2138A>G, p.Lys713Arg (NM_001303257.2); c.1952A>G, p.Lys651Arg (NM_014941.3); short protein forms K651R, K713R.
Identifiers: ClinVar variation 2415133 (VCV002415133.7), dbSNP rs572065690, ClinGen allele CA10186764.

ClinVar aggregate classification (germline): Uncertain significance (1 of 4 stars; one submission).

Conditions:
Charcot-Marie-Tooth disease axonal type 2Z. Also called: CHARCOT-MARIE-TOOTH DISEASE, AXONAL, AUTOSOMAL DOMINANT, TYPE 2Z; CHARCOT-MARIE-TOOTH NEUROPATHY, TYPE 2Z. Identifiers: Orphanet 466768, MedGen C5569025, MONDO:0014736, OMIM 616688.

Allele frequency attached by ClinVar (database versions not stated): gnomAD exomes below 0.00001; ExAC 0.00001; gnomAD 0.00001; 1000 Genomes Project 30x 0.00016; 1000 Genomes Project 0.00020.
gnomAD v4.1: 2 of 1,614,124 alleles (0.00012%); highest among the groups gnomAD compares: African/African-American, 0.0013%; no homozygotes.

Submission:

Labcorp Genetics (formerly Invitae), Labcorp
Classification: Uncertain significance for Charcot-Marie-Tooth disease axonal type 2Z. Last evaluated: 2022-08-30. Review status: criteria provided, single submitter. Criteria: Invitae Variant Classification Sherloc (09022015). Collection method: clinical testing. Allele origin: germline.
Comment: In summary, the available evidence is currently insufficient to determine the role of this variant in disease. Therefore, it has been classified as a Variant of Uncertain Significance. Algorithms developed to predict the effect of sequence changes on RNA splicing suggest that this variant may create or strengthen a splice site. Advanced modeling of protein sequence and biophysical properties (such as structural, functional, and spatial information, amino acid conservation, physicochemical variation, residue mobility, and thermodynamic stability) performed at Invitae indicates that this missense variant is not expected to disrupt MORC2 protein function. This variant has not been reported in the literature in individuals affected with MORC2-related conditions. This variant is present in population databases (rs572065690, gnomAD 0.007%). This sequence change replaces lysine, which is basic and polar, with arginine, which is basic and polar, at codon 713 of the MORC2 protein (p.Lys713Arg).